The following is an entry in ClinVar:

NM_001711.6(BGN):c.160T>A (p.Ser54Thr)

Gene: BGN (biglycan; plus strand). Cytogenetic location: Xq28.
Variant type: single nucleotide variant.
Coding change: c.160T>A on transcript NM_001711.6 (MANE Select); coding-DNA position 160, T replaced by A.
Protein change: p.Ser54Thr; replaces serine 54 with threonine.
Molecular consequence: missense variant.
Genome position (GRCh38, 1-based): chrX:153,504,791, T>A. VCF-style: chrX-153504791-T-A. GRCh37 (hg19) VCF-style: chrX-152770249-T-A.
Other names: short protein forms S54T.
Identifiers: ClinVar variation 3616505 (VCV003616505.2).

ClinVar aggregate classification (germline): Uncertain significance (1 of 4 stars; one submission).

gnomAD v4.1: 2 of 1,211,707 alleles (0.00017%); highest among the groups gnomAD compares: Non-Finnish European, 0.00022%; no homozygotes.

Submission:

Labcorp Genetics (formerly Invitae), Labcorp
Classification: Uncertain significance. Last evaluated: 2024-07-06. Review status: criteria provided, single submitter. Criteria: Invitae Variant Classification Sherloc (09022015). Collection method: clinical testing. Allele origin: germline.
Comment: This sequence change replaces serine, which is neutral and polar, with threonine, which is neutral and polar, at codon 54 of the BGN protein (p.Ser54Thr). This variant is not present in population databases (gnomAD no frequency). This variant has not been reported in the literature in individuals affected with BGN-related conditions. An algorithm developed to predict the effect of missense changes on protein structure and function (PolyPhen-2) suggests that this variant is likely to be tolerated. In summary, the available evidence is currently insufficient to determine the role of this variant in disease. Therefore, it has been classified as a Variant of Uncertain Significance.